The following is an entry in ClinVar:

NM_000202.8(IDS):c.859_879+2dup

Genes: IDS (iduronate 2-sulfatase; minus strand), LOC106050102 (IDS recombination region; plus strand). Cytogenetic location: Xq28.
Variant type: Duplication.
Coding change: c.859_879+2dup on transcript NM_000202.8 (MANE Select); coding-DNA position 859 through the canonical splice donor site of the intron after coding-DNA position 879, 23 bases duplicated (CCAATTCCTGTGGACTTTCAGGT).
Molecular consequence: splice donor variant.
Genome position (GRCh38, 1-based): chrX:149,496,344-149,496,366, ACCTGAAAGTCCACAGGAATTGG duplicated on the plus strand (CCAATTCCTGTGGACTTTCAGGT on the coding strand, the reverse complement: IDS is on the minus strand); duplicating any 23 consecutive bases within chrX:149,496,344-149,496,369 gives the same sequence; the c. name uses the placement nearest the transcript's 3' end. VCF-style (leftmost placement, unchanged base first): chrX-149496343-T-TACCTGAAAGTCCACAGGAATTGG. GRCh37 (hg19) VCF-style: chrX-148577874-T-TACCTGAAAGTCCACAGGAATTGG.
Other names: c.589_609+2dup (NM_001166550.4); c.859_879+2dup (NM_006123.5).
Identifiers: ClinVar variation 4293719 (VCV004293719.1).

ClinVar aggregate classification (germline): Uncertain significance (1 of 4 stars; one submission).

Conditions:
Mucopolysaccharidosis, MPS-II (MPS2). Also called: Mucopolysaccharidosis type 2; Attenuated MPS (subtype; formerly known as mild MPS II); Severe MPS II; I2S deficiency; MPS 2; Hunter Syndrome. Identifiers: Orphanet 580, Orphanet 79388, MedGen C0026705, MONDO:0010674, OMIM 309900.

Submission:

3billion
Classification: Uncertain significance for Mucopolysaccharidosis, MPS-II. Last evaluated: 2024-09-09. Review status: criteria provided, single submitter. Criteria: ACMG Guidelines, 2015. Collection method: clinical testing. Allele origin: germline. Affected: yes.
Comment: The variant is not observed in the gnomAD v4.0.0 dataset. Predicted Consequence/Location: Intron variant In silico tools predict the variant to alter splicing and produce an abnormal transcript [SpliceAI: 0.97 (>=0.2, moderate evidence for spliceogenicity)]. Therefore, this variant is classified as VUS according to the recommendation of ACMG/AMP guideline.